The following is an entry in ClinVar:

NM_000492.4(CFTR):c.1894G>A (p.Glu632Lys)

Gene: CFTR (CF transmembrane conductance regulator; plus strand). Cytogenetic location: 7q31.2.
Variant type: single nucleotide variant.
Coding change: c.1894G>A on transcript NM_000492.4 (MANE Select); coding-DNA position 1894, G replaced by A.
Protein change: p.Glu632Lys; replaces glutamic acid 632 with lysine.
Molecular consequence: missense variant.
Genome position (GRCh38, 1-based): chr7:117,592,061, G>A. VCF-style: chr7-117592061-G-A. GRCh37 (hg19) VCF-style: chr7-117232115-G-A.
Other names: short protein forms E632K.
Identifiers: ClinVar variation 4685865 (VCV004685865.1).

ClinVar aggregate classification (germline): Uncertain significance (1 of 4 stars; one submission).

gnomAD v4.1: 1 of 1,608,556 alleles (0.000062%); highest among the groups gnomAD compares: South Asian, 0.0011%; no homozygotes.

Submission:

ARUP Laboratories, Molecular Genetics and Genomics, ARUP Laboratories
Classification: Uncertain significance. Last evaluated: 2025-06-05. Review status: criteria provided, single submitter. Criteria: ARUP Molecular Germline Variant Investigation Process 2024. Collection method: clinical testing. Allele origin: germline.
Comment: The CFTR c.1894G>A; p.Glu632Lys variant, to our knowledge, is not reported in the medical literature or gene specific databases. This variant is also absent from the Genome Aggregation Database (v2.1.1), indicating it is not a common polymorphism. Computational analyses predict that this variant is deleterious (REVEL: 0.767). Due to limited information, the clinical significance of this variant is uncertain at this time.